The following is an entry in ClinVar:

ClinVar aggregate classification (germline): Likely benign. Review status: criteria provided, multiple submitters, no conflicts (2 of 4 stars). 4 submissions from 4 submitters: Likely benign (4). Last evaluated 2026-08-01.

Allele frequency attached by ClinVar (database versions not stated): gnomAD exomes 0.00046 and 0.00058; ExAC 0.00047; ESP Exome Variant Server 0.00054; gnomAD 0.00054 and 0.00056; TOPMed 0.00055.

Submissions (4):

CeGaT Center for Human Genetics Tuebingen
Classification: Likely benign. Last evaluated: 2026-08-01. Review status: criteria provided, single submitter. Criteria: CeGaT Center For Human Genetics Tuebingen Variant Classification Criteria Version 2. Collection method: clinical testing. Allele origin: germline. Affected: yes. Observed: 1 variant allele.
Comment: KRT16: BP4, BP7

Labcorp Genetics (formerly Invitae), Labcorp
Classification: Likely benign. Last evaluated: 2025-10-03. Review status: criteria provided, single submitter. Criteria: Invitae Variant Classification Sherloc (09022015). Collection method: clinical testing. Allele origin: germline.

Blueprint Genetics
Classification: Likely benign. Last evaluated: 2024-09-15. Review status: criteria provided, single submitter. Criteria: ACMG Guidelines, 2015. Collection method: clinical testing. Allele origin: germline.

Breakthrough Genomics
Classification: Likely benign. Review status: criteria provided, single submitter. Criteria: ACMG Guidelines, 2015. Collection method: not provided. Allele origin: germline. Inheritance: Autosomal dominant inheritance. Affected: yes.

NM_005557.4(KRT16):c.925C>T (p.Leu309=)

Gene: KRT16 (keratin 16; minus strand). Cytogenetic location: 17q21.2.
Variant type: single nucleotide variant.
Coding change: c.925C>T on transcript NM_005557.4 (MANE Select); coding-DNA position 925, C replaced by T.
Protein change: p.Leu309=; no amino-acid change (leucine 309 retained).
Molecular consequence: synonymous variant.
Genome position (GRCh38, 1-based): chr17:41,611,077, G>A on the plus strand (C>T on the coding strand, the complement: KRT16 is on the minus strand). VCF-style: chr17-41611077-G-A. GRCh37 (hg19) VCF-style: chr17-39767329-G-A.
Identifiers: ClinVar variation 732351 (VCV000732351.11), dbSNP rs142668383, ClinGen allele CA8563072.